The following is an entry in ClinVar:

NM_002661.5(PLCG2):c.1194-5T>A

Gene: PLCG2 (phospholipase C gamma 2; plus strand). Cytogenetic location: 16q23.3.
Variant type: single nucleotide variant.
Coding change: c.1194-5T>A on transcript NM_002661.5 (MANE Select); 5 bases into the intron before coding-DNA position 1194, T replaced by A.
Molecular consequence: intron variant.
Genome position (GRCh38, 1-based): chr16:81,900,607, T>A. VCF-style: chr16-81900607-T-A. GRCh37 (hg19) VCF-style: chr16-81934212-T-A.
Identifiers: ClinVar variation 2102327 (VCV002102327.4), dbSNP rs1909107962, ClinGen allele CA2580092167.

ClinVar aggregate classification (germline): Uncertain significance (1 of 4 stars; one submission).

Conditions:
Familial cold autoinflammatory syndrome 3 (FCAS3). Also called: FAMILIAL ATYPICAL COLD URTICARIA; ANTIBODY DEFICIENCY AND IMMUNE DYSREGULATION, PLCG2-ASSOCIATED. Identifiers: Orphanet 300359, MedGen C3280914, MONDO:0013766, OMIM 614468.

Submission:

Labcorp Genetics (formerly Invitae), Labcorp
Classification: Uncertain significance for Familial cold autoinflammatory syndrome 3. Last evaluated: 2022-02-23. Review status: criteria provided, single submitter. Criteria: Invitae Variant Classification Sherloc (09022015). Collection method: clinical testing. Allele origin: germline.
Comment: This sequence change falls in intron 13 of the PLCG2 gene. It does not directly change the encoded amino acid sequence of the PLCG2 protein. This variant is not present in population databases (gnomAD no frequency). This variant has not been reported in the literature in individuals affected with PLCG2-related conditions. Algorithms developed to predict the effect of sequence changes on RNA splicing suggest that this variant may create or strengthen a splice site. In summary, the available evidence is currently insufficient to determine the role of this variant in disease. Therefore, it has been classified as a Variant of Uncertain Significance.